The following is an entry in ClinVar:

ClinVar aggregate classification (germline): Likely pathogenic (1 of 4 stars; one submission).

Allele frequency attached by ClinVar (database versions not stated): gnomAD exomes below 0.00001.

Submission:

Labcorp Genetics (formerly Invitae), Labcorp
Classification: Likely pathogenic. Last evaluated: 2023-03-20. Review status: criteria provided, single submitter. Criteria: Invitae Variant Classification Sherloc (09022015). Collection method: clinical testing. Allele origin: germline.
Comment: Algorithms developed to predict the effect of sequence changes on RNA splicing suggest that this variant may disrupt the consensus splice site. This variant has not been reported in the literature in individuals affected with VLDLR-related conditions. In summary, the currently available evidence indicates that the variant is pathogenic, but additional data are needed to prove that conclusively. Therefore, this variant has been classified as Likely Pathogenic. This variant is not present in population databases (gnomAD no frequency). This sequence change affects a donor splice site in intron 4 of the VLDLR gene. It is expected to disrupt RNA splicing. Variants that disrupt the donor or acceptor splice site typically lead to a loss of protein function (PMID: 16199547), and loss-of-function variants in VLDLR are known to be pathogenic (PMID: 18043714, 18326629, 22532556).

Literature cited by the submitters: PubMed 16199547; PubMed 18043714; PubMed 18326629; PubMed 22532556.

NM_003383.5(VLDLR):c.448+1G>C

Gene: VLDLR (very low density lipoprotein receptor; plus strand). Cytogenetic location: 9p24.2.
Variant type: single nucleotide variant.
Coding change: c.448+1G>C on transcript NM_003383.5 (MANE Select); the canonical splice donor site of the intron after coding-DNA position 448, G replaced by C.
Molecular consequence: splice donor variant. On other transcripts: intron variant (2).
Genome position (GRCh38, 1-based): chr9:2,641,500, G>C. VCF-style: chr9-2641500-G-C. GRCh37 (hg19) VCF-style: chr9-2641500-G-C.
Other names: c.448+1G>C (NM_001018056.3); c.325+1519G>C (NM_001322225.2, NM_001322226.2).
Identifiers: ClinVar variation 2847664 (VCV002847664.3), dbSNP rs2488721121, ClinGen allele CA372789540.